The following is an entry in ClinVar:

ClinVar aggregate classification (germline): Uncertain significance (1 of 4 stars; one submission).

Conditions:
Cystic fibrosis (CF). Also called: MUCOVISCIDOSIS. Identifiers: Orphanet 586, MedGen C0010674, MONDO:0009061, OMIM 219700. Disease mechanism: loss of function.

gnomAD v4.1: 6 of 1,613,860 alleles (0.00037%); highest among the groups gnomAD compares: Non-Finnish European, 0.00051%; no homozygotes.

Submission:

Ambry Genetics
Classification: Uncertain significance for Cystic fibrosis. Last evaluated: 2025-10-27. Review status: criteria provided, single submitter. Criteria: Ambry Variant Classification Scheme 2023. Collection method: clinical testing. Allele origin: germline.
Comment: The p.V874M variant (also known as c.2620G>A) is located in coding exon 16 of the CFTR gene. The valine at codon 874 is replaced by methionine, an amino acid with highly similar properties. This change occurs in the first base pair of coding exon 16. This amino acid position is conserved. In addition, this alteration is predicted to be deleterious by in silico analysis. Since supporting evidence is limited at this time, the clinical significance of this alteration remains unclear.

NM_000492.4(CFTR):c.2620G>A (p.Val874Met)

Gene: CFTR (CF transmembrane conductance regulator; plus strand). Cytogenetic location: 7q31.2.
Variant type: single nucleotide variant.
Coding change: c.2620G>A on transcript NM_000492.4 (MANE Select); coding-DNA position 2620, G replaced by A.
Protein change: p.Val874Met; replaces valine 874 with methionine.
Molecular consequence: missense variant.
Genome position (GRCh38, 1-based): chr7:117,602,826, G>A. VCF-style: chr7-117602826-G-A. GRCh37 (hg19) VCF-style: chr7-117242880-G-A.
Other names: short protein forms V874M.
Identifiers: ClinVar variation 2447416 (VCV002447416.3), dbSNP rs773943545, ClinGen allele CA368985865.